The following is an entry in ClinVar:

NM_000419.5(ITGA2B):c.800-1G>A

Gene: ITGA2B (integrin subunit alpha 2b; minus strand). Cytogenetic location: 17q21.31.
Variant type: single nucleotide variant.
Coding change: c.800-1G>A on transcript NM_000419.5 (MANE Select); the canonical splice acceptor site of the intron before coding-DNA position 800, G replaced by A.
Molecular consequence: splice acceptor variant.
Genome position (GRCh38, 1-based): chr17:44,384,586, C>T on the plus strand (G>A on the coding strand, the complement: ITGA2B is on the minus strand). VCF-style: chr17-44384586-C-T. GRCh37 (hg19) VCF-style: chr17-42461954-C-T.
Identifiers: ClinVar variation 1703864 (VCV001703864.3), dbSNP rs754740619, ClinGen allele CA8603333.

ClinVar aggregate classification (germline): Likely pathogenic. Review status: criteria provided, multiple submitters, no conflicts (2 of 4 stars). 3 submissions from 3 submitters: Likely pathogenic (3). Last evaluated 2025-05-14.

Conditions:
ITGA2B-related disorder. Also called: ITGA2B-related disorders; ITGA2B-related condition.
Glanzmann thrombasthenia 1 (GT1). Also called: BLEEDING DISORDER, PLATELET-TYPE, 2; GP IIb-IIIa COMPLEX DEFICIENCY; GLYCOPROTEIN COMPLEX IIb-IIIa DEFICIENCY; PLATELET FIBRINOGEN RECEPTOR DEFICIENCY. Identifiers: MedGen CN300358, MONDO:0031332, OMIM 273800.
Glanzmann thrombasthenia. Also called: PLATELET GLYCOPROTEIN IIb-IIIa DEFICIENCY; THROMBASTHENIA OF GLANZMANN AND NAEGELI; Thrombasthenia; Glanzmann's thrombasthenia. Identifiers: Orphanet 849, MedGen C0040015, MONDO:0100326.

Allele frequency attached by ClinVar (database versions not stated): gnomAD 0.00001; gnomAD exomes 0.00001; ExAC 0.00002; TOPMed 0.00002.
gnomAD v4.1: 9 of 1,613,944 alleles (0.00056%); highest among the groups gnomAD compares: Non-Finnish European, 0.00068%; no homozygotes.

Submissions (3):

Labcorp Genetics (formerly Invitae), Labcorp
Classification: Likely pathogenic for Glanzmann thrombasthenia. Last evaluated: 2025-05-14. Review status: criteria provided, single submitter. Criteria: Invitae Variant Classification Sherloc (09022015). Collection method: clinical testing. Allele origin: germline.
Comment: This sequence change affects an acceptor splice site in intron 7 of the ITGA2B gene. It is expected to disrupt RNA splicing. Variants that disrupt the donor or acceptor splice site typically lead to a loss of protein function (PMID: 16199547), and loss-of-function variants in ITGA2B are known to be pathogenic (PMID: 21917754). This variant is present in population databases (rs754740619, gnomAD 0.004%). This variant has not been reported in the literature in individuals affected with ITGA2B-related conditions. ClinVar contains an entry for this variant (Variation ID: 1703864). Algorithms developed to predict the effect of sequence changes on RNA splicing suggest that this variant may disrupt the consensus splice site. In summary, the currently available evidence indicates that the variant is pathogenic, but additional data are needed to prove that conclusively. Therefore, this variant has been classified as Likely Pathogenic.

Blueprint Genetics
Classification: Likely pathogenic for ITGA2B-related disorders. Last evaluated: 2020-03-09. Review status: criteria provided, single submitter. Criteria: ACMG Guidelines, 2015. Collection method: clinical testing. Allele origin: germline. Affected: yes. Observed: 1 variant allele.

ISTH-SSC Genomics in Thrombosis and Hemostasis, KU Leuven, Center for Molecular and Vascular Biology
Classification: Likely pathogenic for Glanzmann thrombasthenia 1. Review status: criteria provided, single submitter. Criteria: ACMG Guidelines, 2015. Collection method: clinical testing. Allele origin: germline. Affected: yes. Observed: 1 heterozygote.
Comment: Submitted to GoldVariant by Kathleen Freson, Center for Molecular and Vascular Biology, Leuven, Belgium

Literature cited by the submitters: PubMed 16199547 (cited by Labcorp Genetics (formerly Invitae), Labcorp); PubMed 21917754 (cited by Labcorp Genetics (formerly Invitae), Labcorp).